The following is an entry in ClinVar:

NM_001111.5(ADAR):c.3233G>A (p.Arg1078His)

Gene: ADAR (adenosine deaminase RNA specific; minus strand). Cytogenetic location: 1q21.3.
Variant type: single nucleotide variant.
Coding change: c.3233G>A on transcript NM_001111.5 (MANE Select); coding-DNA position 3233, G replaced by A.
Protein change: p.Arg1078His; replaces arginine 1078 with histidine.
Molecular consequence: missense variant.
Genome position (GRCh38, 1-based): chr1:154,585,835, C>T on the plus strand (G>A on the coding strand, the complement: ADAR is on the minus strand). VCF-style: chr1-154585835-C-T. GRCh37 (hg19) VCF-style: chr1-154558311-C-T.
Other names: c.3233G>A (NM_001111.4); c.2348G>A, p.Arg783His (NM_001025107.3, NM_001193495.2, NM_001365046.1 and 2 more transcripts); c.3260G>A, p.Arg1087His (NM_001365045.1); c.2270G>A, p.Arg757His (NM_001365049.1); c.3155G>A, p.Arg1052His (NM_015840.4); c.3098G>A, p.Arg1033His (NM_015841.4); short protein forms R1033H, R783H, R1052H, R757H, R1078H, R1087H.
Identifiers: ClinVar variation 2927171 (VCV002927171.5), dbSNP rs1185518625, ClinGen allele CA342635430.

ClinVar aggregate classification (germline): Uncertain significance. Review status: criteria provided, single submitter (1 of 4 stars). 2 submissions from 2 submitters: Uncertain significance (1). 1 of the submissions does not count toward it. Last evaluated 2023-07-07.

Conditions:
Aicardi-Goutieres syndrome 6 (AGS6). Identifiers: Orphanet 51, MedGen C3539013, MONDO:0014007, OMIM 615010.
Symmetrical dyschromatosis of extremities (DSH). Also called: RETICULATE ACROPIGMENTATION OF DOHI; DYSCHROMATOSIS SYMMETRICA HEREDITARIA 1; SYMMETRIC DYSCHROMATOSIS OF THE EXTREMITIES; Dyschromatosis symmetrica hereditaria. Identifiers: Orphanet 41, MedGen C0406775, MONDO:0007483, OMIM 127400.
ADAR-related disorder. Also called: ADAR-related condition; ADAR-related disorders.

Allele frequency attached by ClinVar (database versions not stated): TOPMed 0.00001.
gnomAD v4.1: 8 of 1,614,050 alleles (0.0005%); highest among the groups gnomAD compares: Non-Finnish European, 0.00068%; no homozygotes.

Submissions (2):

Labcorp Genetics (formerly Invitae), Labcorp
Classification: Uncertain significance for Aicardi-Goutieres syndrome 6; Symmetrical dyschromatosis of extremities. Last evaluated: 2023-07-07. Review status: criteria provided, single submitter. Criteria: Invitae Variant Classification Sherloc (09022015). Collection method: clinical testing. Allele origin: germline.
Comment: This variant disrupts the p.Arg1078 amino acid residue in ADAR. Other variant(s) that disrupt this residue have been determined to be pathogenic (PMID: 15489923). This suggests that this residue is clinically significant, and that variants that disrupt this residue are likely to be disease-causing. In summary, the available evidence is currently insufficient to determine the role of this variant in disease. Therefore, it has been classified as a Variant of Uncertain Significance. This sequence change replaces arginine, which is basic and polar, with histidine, which is basic and polar, at codon 1078 of the ADAR protein (p.Arg1078His). The frequency data for this variant in the population databases is considered unreliable, as metrics indicate poor data quality at this position in the gnomAD database. This missense change has been observed in individual(s) with dyschromatosis symmetrica hereditaria (PMID: 29185800). Advanced modeling of protein sequence and biophysical properties (such as structural, functional, and spatial information, amino acid conservation, physicochemical variation, residue mobility, and thermodynamic stability) has been performed at Invitae for this missense variant, however the output from this modeling did not meet the statistical confidence thresholds required to predict the impact of this variant on ADAR protein function.

PreventionGenetics, part of Exact Sciences
Classification: Uncertain significance for ADAR-related condition. Last evaluated: 2024-01-16. Review status: no assertion criteria provided. Collection method: clinical testing. Allele origin: germline. Not counted in ClinVar's aggregate classification.
Comment: The ADAR c.3233G>A variant is predicted to result in the amino acid substitution p.Arg1078His. This variant has been reported in the heterozygous state in an individual with dyschromatosis symmetrica hereditaria (Tang et al. 2018. PubMed ID: 29185800) and in a large cohort of individuals with developmental and epileptic encephalopathy (reported as c.3362G>A, p.Arg1121His in Table S4, Takata et al. 2019. PubMed ID: 31175295). This variant is reported in 0.00088% of alleles in individuals of European (Non-Finnish) descent in gnomAD. At this time, the clinical significance of this variant is uncertain due to the absence of conclusive functional and genetic evidence.

Literature cited by the submitters: PubMed 15489923 (cited by Labcorp Genetics (formerly Invitae), Labcorp); PubMed 29185800 (cited by Labcorp Genetics (formerly Invitae), Labcorp).